The following is an entry in ClinVar:

ClinVar aggregate classification (germline): Pathogenic (1 of 4 stars; one submission).

Conditions:
Jeune thoracic dystrophy. Also called: Short-rib thoracic dysplasia; Jeune syndrome; Infantile thoracic dystrophy; Thoracic pelvic phalangeal dystrophy; Jeune's syndrome; Chondroectodermal dysplasia-like syndrome. Identifiers: Orphanet 474, MedGen C0265275, MONDO:0018770.

Allele frequency attached by ClinVar (database versions not stated): gnomAD exomes below 0.00001; ExAC 0.00002; gnomAD 0.00003 and 0.00005; TOPMed 0.00003.

Submission:

Labcorp Genetics (formerly Invitae), Labcorp
Classification: Pathogenic for Jeune thoracic dystrophy. Last evaluated: 2025-11-16. Review status: criteria provided, single submitter. Criteria: Invitae Variant Classification Sherloc (09022015). Collection method: clinical testing. Allele origin: germline.
Comment: This sequence change creates a premature translational stop signal (p.Tyr1936*) in the DYNC2H1 gene. It is expected to result in an absent or disrupted protein product. Loss-of-function variants in DYNC2H1 are known to be pathogenic (PMID: 23339108, 32753734, 33755199). This variant is present in population databases (rs775759098, gnomAD 0.01%). This variant has not been reported in the literature in individuals affected with DYNC2H1-related conditions. ClinVar contains an entry for this variant (Variation ID: 1071871). For these reasons, this variant has been classified as Pathogenic.

Literature cited by the submitters: PubMed 23339108; PubMed 32753734; PubMed 33755199.

NM_001377.3(DYNC2H1):c.5808del (p.Glu1935_Tyr1936insTer)

Gene: DYNC2H1 (dynein cytoplasmic 2 heavy chain 1; plus strand). Cytogenetic location: 11q22.3.
Variant type: Deletion.
Coding change: c.5808del on transcript NM_001377.3 (MANE Select); coding-DNA position 5808, one base deleted (T; older notation c.5808delT).
Protein change: p.Glu1935_Tyr1936insTer.
Molecular consequence: nonsense.
Genome position (GRCh38, 1-based): chr11:103,176,368, T deleted. VCF-style (leftmost placement, unchanged base first): chr11-103176367-AT-A. GRCh37 (hg19) VCF-style: chr11-103047096-AT-A.
Other names: c.5808del, p.Glu1935_Tyr1936insTer (NM_001080463.2).
Identifiers: ClinVar variation 1071871 (VCV001071871.8), dbSNP rs775759098, ClinGen allele CA6253837.